The following is an entry in ClinVar:

ClinVar aggregate classification (germline): Likely pathogenic. Review status: criteria provided, multiple submitters, no conflicts (2 of 4 stars). 3 submissions from 3 submitters: Likely pathogenic (3). Last evaluated 2024-09-17.

Conditions:
KCNH2-related disorder. Also called: KCNH2-related condition; KCNH2-related disorders.
Long QT syndrome (LQTS). Identifiers: MedGen C0023976, MeSH D008133, MONDO:0002442. Disease mechanism: loss of function. Inheritance: Various modes of inheritance.

Submissions (3):

Labcorp Genetics (formerly Invitae), Labcorp
Classification: Likely pathogenic for Long QT syndrome. Last evaluated: 2024-09-17. Review status: criteria provided, single submitter. Criteria: Invitae Variant Classification Sherloc (09022015). Collection method: clinical testing. Allele origin: germline.
Comment: This sequence change affects a donor splice site in intron 7 of the KCNH2 gene. It is expected to disrupt RNA splicing. Variants that disrupt the donor or acceptor splice site typically lead to a loss of protein function (PMID: 16199547), and loss-of-function variants in KCNH2 are known to be pathogenic (PMID: 10973849, 19862833). This variant is not present in population databases (gnomAD no frequency). This variant has not been reported in the literature in individuals affected with KCNH2-related conditions. ClinVar contains an entry for this variant (Variation ID: 200755). Algorithms developed to predict the effect of sequence changes on RNA splicing suggest that this variant may disrupt the consensus splice site. In summary, the currently available evidence indicates that the variant is pathogenic, but additional data are needed to prove that conclusively. Therefore, this variant has been classified as Likely Pathogenic.

Blueprint Genetics
Classification: Likely pathogenic for KCNH2-related disorders. Last evaluated: 2020-02-10. Review status: criteria provided, single submitter. Criteria: ACMG Guidelines, 2015. Collection method: clinical testing. Allele origin: germline. Affected: yes. Observed: 1 variant allele.

GeneDx
Classification: Likely pathogenic. Last evaluated: 2016-07-01. Review status: criteria provided, single submitter. Criteria: GeneDx Variant Classification (06012015). Collection method: clinical testing. Allele origin: germline. Affected: yes.
Comment: Although the c.1945+1 G>A variant has not been reported as a pathogenic variant or as a benign variant to our knowledge, it destroys the canonical splice donor site in intron 7 and is predicted to cause abnormal gene splicing. This variant is predicted to result in the skipping of exon 7 leading an abnormal message that is either subject to nonsense-mediated mRNA decay, or to an abnormal protein product if the message is used for protein translation. Other splice site variants in the KCNH2 gene have been reported in HGMD in association with LQTS (Stenson et al., 2014). Furthermore, the c.1945+1 G>A variant was not observed in approximately 6,500 individuals of European and African American ancestry in the NHLBI Exome Sequencing Project, indicating it is not a common benign variant in these populations. In summary, c.1945+1 G>A in the KCNH2 gene is expected to be pathogenic.

Literature cited by the submitters: PubMed 16199547 (cited by Labcorp Genetics (formerly Invitae), Labcorp); PubMed 10973849 (cited by Labcorp Genetics (formerly Invitae), Labcorp); PubMed 19862833 (cited by Labcorp Genetics (formerly Invitae), Labcorp).

NM_000238.4(KCNH2):c.1945+1G>A

Gene: KCNH2 (potassium voltage-gated channel subfamily H member 2; minus strand). Cytogenetic location: 7q36.1.
Variant type: single nucleotide variant.
Coding change: c.1945+1G>A on transcript NM_000238.4 (MANE Select); the canonical splice donor site of the intron after coding-DNA position 1945, G replaced by A.
Molecular consequence: splice donor variant.
Genome position (GRCh38, 1-based): chr7:150,951,447, C>T on the plus strand (G>A on the coding strand, the complement: KCNH2 is on the minus strand). VCF-style: chr7-150951447-C-T. GRCh37 (hg19) VCF-style: chr7-150648535-C-T.
Other names: c.1657+1G>A (NM_001406753.1, NM_001406756.1); c.925+1G>A (NM_172057.3, NM_001204798.2); c.1945+1G>A (NM_172056.3); c.1768+1G>A (NM_001406755.1); c.1645+1G>A (NM_001406757.1).
Identifiers: ClinVar variation 200755 (VCV000200755.7), dbSNP rs794728487, ClinGen allele CA006070.
Genomic context (GRCh38, chr7:150,951,447, plus strand): 5'-CCTCCAACTTGGGTTCCTCCACCGTGGGCTCTCCCCGCCGCCCGCCCCTGGGCACACTCA[C>T]AGCCAATGAGCATGACGCAGATGGAGAAGATCTTCTCTGAGTTGGTGTTGGGAGAGACGT-3'